The following is an entry in ClinVar:

NM_005188.4(CBL):c.2189C>T (p.Thr730Met)

Gene: CBL (Cbl proto-oncogene; plus strand). Cytogenetic location: 11q23.3.
Variant type: single nucleotide variant.
Coding change: c.2189C>T on transcript NM_005188.4 (MANE Select); coding-DNA position 2189, C replaced by T.
Protein change: p.Thr730Met; replaces threonine 730 with methionine.
Molecular consequence: missense variant.
Genome position (GRCh38, 1-based): chr11:119,297,419, C>T. VCF-style: chr11-119297419-C-T. GRCh37 (hg19) VCF-style: chr11-119168129-C-T.
Other names: c.2189C>T (NM_005188.2); short protein forms T730M.
Identifiers: ClinVar variation 477705 (VCV000477705.7), dbSNP rs376848406, ClinGen allele CA6318709.

ClinVar aggregate classification (germline): Uncertain significance. Review status: criteria provided, multiple submitters, no conflicts (2 of 4 stars). 3 submissions from 3 submitters: Uncertain significance (3). Last evaluated 2024-11-10.

Conditions:
CBL-related disorder. Also called: NOONAN SYNDROME-LIKE DISORDER WITHOUT JUVENILE MYELOMONOCYTIC LEUKEMIA; CBL MUTATION-ASSOCIATED SYNDROME; CBL SYNDROME. Identifiers: Orphanet 363972, MedGen C3150803, MONDO:0013308, OMIM 613563.
RASopathy. Also called: rasopathies; Noonan spectrum disorder. Identifiers: Orphanet 536391, MedGen C5555857, MONDO:0021060.
Cardiovascular phenotype. Identifiers: MedGen CN230736.

Allele frequency attached by ClinVar (database versions not stated): gnomAD 0.00001 and 0.00002; gnomAD exomes 0.00001; TOPMed 0.00001; ExAC 0.00002; ESP Exome Variant Server 0.00008.
gnomAD v4.1: 13 of 1,613,540 alleles (0.00081%); highest among the groups gnomAD compares: Admixed American, 0.0017%; no homozygotes.

Submissions (3):

Ambry Genetics
Classification: Uncertain significance for Cardiovascular phenotype. Last evaluated: 2024-11-10. Review status: criteria provided, single submitter. Criteria: Ambry Variant Classification Scheme 2023. Collection method: clinical testing. Allele origin: germline.
Comment: The p.T730M variant (also known as c.2189C>T), located in coding exon 14 of the CBL gene, results from a C to T substitution at nucleotide position 2189. The threonine at codon 730 is replaced by methionine, an amino acid with similar properties. This amino acid position is conserved. In addition, this alteration is predicted to be tolerated by in silico analysis. Based on the available evidence, the clinical significance of this variant remains unclear.

Labcorp Genetics (formerly Invitae), Labcorp
Classification: Uncertain significance for RASopathy. Last evaluated: 2024-11-03. Review status: criteria provided, single submitter. Criteria: Invitae Variant Classification Sherloc (09022015). Collection method: clinical testing. Allele origin: germline.
Comment: This sequence change replaces threonine, which is neutral and polar, with methionine, which is neutral and non-polar, at codon 730 of the CBL protein (p.Thr730Met). This variant is present in population databases (rs376848406, gnomAD 0.01%). This variant has not been reported in the literature in individuals affected with CBL-related conditions. ClinVar contains an entry for this variant (Variation ID: 477705). Invitae Evidence Modeling of protein sequence and biophysical properties (such as structural, functional, and spatial information, amino acid conservation, physicochemical variation, residue mobility, and thermodynamic stability) indicates that this missense variant is not expected to disrupt CBL protein function with a negative predictive value of 95%. In summary, the available evidence is currently insufficient to determine the role of this variant in disease. Therefore, it has been classified as a Variant of Uncertain Significance.

Neuberg Centre For Genomic Medicine, NCGM
Classification: Uncertain significance for CBL-related disorder. Review status: criteria provided, single submitter. Criteria: ACMG Guidelines, 2015. Collection method: clinical testing. Allele origin: germline. Inheritance: Autosomal dominant inheritance. Affected: yes.
Comment: The missense variant c.2189C>T(p.Thr730Met) in CBL gene has not been reported previously as a pathogenic variant nor as a benign variant, to our knowledge. The p.Thr730Met variant is present with allele frequency of 0.001% in gnomAD exomes database. This variant has been submitted to the ClinVar database as Uncertain Significance. Multiple lines of computational evidence (Polyphen - Benign, SIFT - Tolerated and MutationTaster - Polymorphism) predict no damaging effect on protein structure and function for this variant. The reference amino acid at this position on CBL gene is predicted as conserved by GERP++ and PhyloP across 100 vertebrates. The amino acid Thr at position 730 is changed to a Met changing protein sequence and it might alter its composition and physico-chemical properties. For these reasons, this variant has been classified as Uncertain Significance (VUS).